The following is an entry in ClinVar:

ClinVar aggregate classification (germline): Uncertain significance (1 of 4 stars; one submission).

Conditions:
Hereditary cancer-predisposing syndrome. Also called: Neoplastic Syndromes, Hereditary; Tumor predisposition; Hereditary Cancer Syndrome; Hereditary neoplastic syndrome. Identifiers: Orphanet 140162, MedGen C0027672, MeSH D009386, MONDO:0015356.

gnomAD v4.1: 1 of 1,614,020 alleles (0.000062%); highest among the groups gnomAD compares: Non-Finnish European, 0.000085%; no homozygotes.

Submission:

Ambry Genetics
Classification: Uncertain significance for Hereditary cancer-predisposing syndrome. Last evaluated: 2026-04-06. Review status: criteria provided, single submitter. Criteria: Ambry Variant Classification Scheme 2023. Collection method: clinical testing. Allele origin: germline.
Comment: The p.R26T variant (also known as c.77G>C), located in coding exon 2 of the PALB2 gene, results from a G to C substitution at nucleotide position 77. The arginine at codon 26 is replaced by threonine, an amino acid with similar properties. This amino acid position is conserved. In addition, this alteration is predicted to be tolerated by in silico analysis. Based on the available evidence, the clinical significance of this variant remains unclear.

NM_024675.4(PALB2):c.77G>C (p.Arg26Thr)

Gene: PALB2 (partner and localizer of BRCA2; minus strand). Cytogenetic location: 16p12.2.
Variant type: single nucleotide variant.
Coding change: c.77G>C on transcript NM_024675.4 (MANE Select); coding-DNA position 77, G replaced by C.
Protein change: p.Arg26Thr; replaces arginine 26 with threonine.
Molecular consequence: missense variant. On other transcripts: 5 prime UTR variant (8), intron variant (4).
Genome position (GRCh38, 1-based): chr16:23,638,101, C>G on the plus strand (G>C on the coding strand, the complement: PALB2 is on the minus strand). VCF-style: chr16-23638101-C-G. GRCh37 (hg19) VCF-style: chr16-23649422-C-G.
Other names: c.77G>C, p.Arg26Thr (NM_001407297.1, NM_001407298.1, NM_001407299.1 and 3 more transcripts); c.-809G>C (NM_001407304.1, NM_001407305.1, NM_001407306.1 and 5 more transcripts); c.48+3009G>C (NM_001407314.1); c.-105+3009G>C (NM_001407313.1, NM_001407312.1); c.49-149G>C (NM_001407296.1); short protein forms R26T.
Identifiers: ClinVar variation 4861483 (VCV004861483.1).